The following is an entry in ClinVar:

ClinVar aggregate classification (germline): Likely pathogenic (1 of 4 stars; one submission).

Conditions:
Mullegama-Klein-Martinez syndrome. Also called: NEURODEVELOPMENTAL DISORDER, X-LINKED, WITH CRANIOFACIAL ABNORMALITIES. Identifiers: MedGen C5193008, MONDO:0026722, OMIM 301022.

Submission:

3billion
Classification: Likely pathogenic for Mullegama-Klein-Martinez syndrome. Last evaluated: 2026-01-28. Review status: criteria provided, single submitter. Criteria: ACMG Guidelines, 2015. Collection method: clinical testing. Allele origin: germline. Affected: yes.
Comment: The variant is not observed in the gnomAD v4.1.0 dataset. Predicted Consequence/Location: Frameshift: predicted to result in a loss or disruption of normal protein function through nonsense-mediated decay (NMD) or protein truncation. Multiple pathogenic variants are reported downstream of the variant. Therefore, this variant is classified as Likely pathogenic according to the recommendation of ACMG/AMP guideline.

NM_001042750.2(STAG2):c.677_678insTATTTTATTTT (p.Leu226fs)

Gene: STAG2 (STAG2 cohesin complex component; plus strand). Cytogenetic location: Xq25.
Variant type: Microsatellite.
Coding change: c.677_678insTATTTTATTTT on transcript NM_001042750.2 (MANE Select); coding-DNA positions 677 to 678, TATTTTATTTT inserted.
Protein change: p.Leu226fs; shifts the reading frame from leucine 226.
Molecular consequence: frameshift variant.
Genome position: GRCh38 VCF-style: chrX-124047361-G-GTTTATTTTATT. GRCh37 (hg19) VCF-style: chrX-123181211-G-GTTTATTTTATT.
Other names: c.677_678insTATTTTATTTT, p.Leu226fs (NM_001042749.2, NM_001042751.2, NM_001282418.2 and 23 more transcripts); short protein forms L226fs.
Identifiers: ClinVar variation 4856028 (VCV004856028.1).